The following is an entry in ClinVar:

NM_001330311.2(DVL1):c.531C>T (p.Ser177=)

Gene: DVL1 (dishevelled segment polarity protein 1; minus strand). Cytogenetic location: 1p36.33.
Variant type: single nucleotide variant.
Coding change: c.531C>T on transcript NM_001330311.2 (MANE Select); coding-DNA position 531, C replaced by T.
Protein change: p.Ser177=; no amino-acid change (serine 177 retained).
Molecular consequence: synonymous variant.
Genome position (GRCh38, 1-based): chr1:1,341,741, G>A on the plus strand (C>T on the coding strand, the complement: DVL1 is on the minus strand). VCF-style: chr1-1341741-G-A. GRCh37 (hg19) VCF-style: chr1-1277121-G-A.
Other names: c.531C>T, p.Ser177= (NM_004421.3).
Identifiers: ClinVar variation 779999 (VCV000779999.12), dbSNP rs148933527, ClinGen allele CA520635.

ClinVar aggregate classification (germline): Benign/Likely benign. Review status: criteria provided, multiple submitters, no conflicts (2 of 4 stars). 3 submissions from 3 submitters: Benign (1); Likely benign (1). 1 of the submissions does not count toward it. Last evaluated 2026-01-22.

Conditions:
DVL1-related disorder. Also called: DVL1-related condition.

Allele frequency attached by ClinVar (database versions not stated): 1000 Genomes Project 30x 0.00047; 1000 Genomes Project 0.00060; gnomAD 0.00077 and 0.00078; TOPMed 0.00079; gnomAD exomes 0.00102 and 0.00144; ESP Exome Variant Server 0.00139; ExAC 0.00144.
gnomAD v4.1: 2,191 of 1,609,644 alleles (0.14%); highest among the groups gnomAD compares: Non-Finnish European, 0.17%; 5 homozygotes.

Submissions (3):

Labcorp Genetics (formerly Invitae), Labcorp
Classification: Benign. Last evaluated: 2026-01-22. Review status: criteria provided, single submitter. Criteria: Invitae Variant Classification Sherloc (09022015). Collection method: clinical testing. Allele origin: germline.

Blueprint Genetics
Classification: Likely benign. Last evaluated: 2024-11-07. Review status: criteria provided, single submitter. Criteria: ACMG Guidelines, 2015. Collection method: clinical testing. Allele origin: germline.

PreventionGenetics, part of Exact Sciences
Classification: Likely benign for DVL1-related condition. Last evaluated: 2024-04-23. Review status: no assertion criteria provided. Collection method: clinical testing. Allele origin: germline. Not counted in ClinVar's aggregate classification.
Comment: This variant is classified as likely benign based on ACMG/AMP sequence variant interpretation guidelines (Richards et al. 2015 PMID: 25741868, with internal and published modifications).